The following is an entry in ClinVar:

ClinVar aggregate classification (germline): Conflicting classifications of pathogenicity. Review status: criteria provided, conflicting classifications (1 of 4 stars). 2 submissions from 2 submitters: Uncertain significance (1); Likely benign (1). Last evaluated 2026-07-13.

Conditions:
Tuberous sclerosis syndrome (TSC). Also called: Tuberous sclerosis; Tuberous Sclerosis Complex. Identifiers: Orphanet 805, MedGen C0041341, MONDO:0001734.
Hereditary cancer-predisposing syndrome. Also called: Hereditary Cancer Syndrome; Hereditary neoplastic syndrome; Neoplastic Syndromes, Hereditary; Tumor predisposition. Identifiers: Orphanet 140162, MedGen C0027672, MeSH D009386, MONDO:0015356.

Submissions (2):

Ambry Genetics
Classification: Likely benign for Hereditary cancer-predisposing syndrome. Last evaluated: 2026-07-13. Review status: criteria provided, single submitter. Criteria: Ambry Variant Classification Scheme 2023. Collection method: clinical testing. Allele origin: germline.

Color Diagnostics, LLC DBA Color Health
Classification: Uncertain significance for Tuberous sclerosis syndrome. Last evaluated: 2025-09-05. Review status: criteria provided, single submitter. Criteria: ACMG Guidelines, 2015. Collection method: clinical testing. Allele origin: germline.
Comment: This missense variant replaces lysine with arginine at codon 976 of the TSC1 protein. Computational prediction suggests that this variant may not impact protein structure and function. To our knowledge, functional studies have not been reported for this variant. This variant has not been reported in individuals affected with TSC1-related disorders in the literature. This variant has not been identified in the general population by the Genome Aggregation Database (gnomAD). The available evidence is insufficient to determine the role of this variant in disease conclusively. Therefore, this variant is classified as a Variant of Uncertain Significance.

NM_000368.5(TSC1):c.2927A>G (p.Lys976Arg)

Gene: TSC1 (TSC complex subunit 1; minus strand). Cytogenetic location: 9q34.13.
Variant type: single nucleotide variant.
Coding change: c.2927A>G on transcript NM_000368.5 (MANE Select); coding-DNA position 2927, A replaced by G.
Protein change: p.Lys976Arg; replaces lysine 976 with arginine.
Molecular consequence: missense variant. On other transcripts: non-coding transcript variant (5).
Genome position (GRCh38, 1-based): chr9:132,897,232, T>C on the plus strand (A>G on the coding strand, the complement: TSC1 is on the minus strand). VCF-style: chr9-132897232-T-C. GRCh37 (hg19) VCF-style: chr9-135772619-T-C.
Other names: c.2924A>G, p.Lys975Arg (NM_001406598.1, NM_001406599.1, NM_001406600.1 and 2 more transcripts); c.2912A>G, p.Lys971Arg (NM_001406601.1, NM_001406602.1); c.2909A>G, p.Lys970Arg (NM_001406603.1, NM_001406604.1); c.2885A>G, p.Lys962Arg (NM_001406605.1, NM_001406606.1, NM_001406607.1); c.2564A>G, p.Lys855Arg (NM_001406617.1, NM_001406618.1, NM_001406619.1 and 4 more transcripts); c.2561A>G, p.Lys854Arg (NM_001406620.1, NM_001406621.1, NM_001406622.1 and 1 more transcripts); c.2522A>G, p.Lys841Arg (NM_001406624.1); c.2519A>G, p.Lys840Arg (NM_001406625.1); and 8 more; short protein forms K659R, K841R, K962R, K925R, K970R, K971R, K658R, K855R.
Identifiers: ClinVar variation 2447869 (VCV002447869.4), dbSNP rs2538476764, ClinGen allele CA375368476.